The following is an entry in ClinVar:

ClinVar aggregate classification (germline): Pathogenic (1 of 4 stars; one submission).

Submission:

Labcorp Genetics (formerly Invitae), Labcorp
Classification: Pathogenic. Last evaluated: 2024-01-12. Review status: criteria provided, single submitter. Criteria: Invitae Variant Classification Sherloc (09022015). Collection method: clinical testing. Allele origin: germline.
Comment: This sequence change creates a premature translational stop signal (p.Gln263Hisfs*19) in the TTLL5 gene. It is expected to result in an absent or disrupted protein product. Loss-of-function variants in TTLL5 are known to be pathogenic (PMID: 24791901, 27162334). This variant is present in population databases (rs757823284, gnomAD 0.004%). This premature translational stop signal has been observed in individual(s) with TTLL5-related conditions (PMID: 31964843). For these reasons, this variant has been classified as Pathogenic.

Literature cited by the submitters: PubMed 24791901; PubMed 27162334; PubMed 31964843.

NM_015072.5(TTLL5):c.789_793del (p.Gln263fs)

Gene: TTLL5 (tubulin tyrosine ligase like 5; plus strand). Cytogenetic location: 14q24.3.
Variant type: Deletion.
Coding change: c.789_793del on transcript NM_015072.5 (MANE Select); coding-DNA positions 789 to 793, 5 bases deleted (GTTCA; older notation c.789_793delGTTCA).
Protein change: p.Gln263fs; shifts the reading frame from glutamine 263.
Molecular consequence: frameshift variant.
Genome position (GRCh38, 1-based): chr14:75,717,909-75,717,913, GTTCA deleted; deleting any 5 consecutive bases within chr14:75,717,907-75,717,913 gives the same sequence; the c. name uses the placement nearest the transcript's 3' end. VCF-style (leftmost placement, unchanged base first): chr14-75717906-CCAGTT-C. GRCh37 (hg19) VCF-style: chr14-76184249-CCAGTT-C.
Other names: short protein forms Q263fs.
Identifiers: ClinVar variation 2958616 (VCV002958616.3), dbSNP rs757823284, ClinGen allele CA7279107.